The following is an entry in ClinVar:

NM_018451.5(CPAP):c.866-244C>T

Gene: CPAP (centrosome assembly and centriole elongation protein; minus strand). Cytogenetic location: 13q12.13.
Variant type: single nucleotide variant.
Coding change: c.866-244C>T on transcript NM_018451.5 (MANE Select); 244 bases into the intron before coding-DNA position 866, C replaced by T.
Molecular consequence: intron variant.
Genome position (GRCh38, 1-based): chr13:24,908,370, G>A on the plus strand (C>T on the coding strand, the complement: CPAP is on the minus strand). VCF-style: chr13-24908370-G-A. GRCh37 (hg19) VCF-style: chr13-25482508-G-A.
Identifiers: ClinVar variation 678325 (VCV000678325.1), dbSNP rs2122884, ClinGen allele CA13841383.

ClinVar aggregate classification (germline): Benign (1 of 4 stars; one submission).

Allele frequency attached by ClinVar (database versions not stated): TOPMed 0.52690; gnomAD 0.52923 and 0.53158; 1000 Genomes Project 30x 0.53701; 1000 Genomes Project 0.53914.
gnomAD v4.1: 78,199 of 147,576 alleles (53%); highest among the groups gnomAD compares: East Asian, 72%; 21,011 homozygotes.

Submission:

GeneDx
Classification: Benign. Last evaluated: 2018-06-16. Review status: criteria provided, single submitter. Criteria: GeneDx Variant Classification (06012015). Collection method: clinical testing. Allele origin: germline. Affected: yes.
Comment: This variant is considered likely benign or benign based on one or more of the following criteria: it is a conservative change, it occurs at a poorly conserved position in the protein, it is predicted to be benign by multiple in silico algorithms, and/or has population frequency not consistent with disease.